The following is an entry in ClinVar:

NM_031407.7(HUWE1):c.8006-11C>G

Gene: HUWE1 (HECT, UBA and WWE domain containing E3 ubiquitin protein ligase 1; minus strand). Cytogenetic location: Xp11.22.
Variant type: single nucleotide variant.
Coding change: c.8006-11C>G on transcript NM_031407.7 (MANE Select); 11 bases into the intron before coding-DNA position 8006, C replaced by G.
Molecular consequence: intron variant.
Genome position (GRCh38, 1-based): chrX:53,558,820, G>C on the plus strand (C>G on the coding strand, the complement: HUWE1 is on the minus strand). VCF-style: chrX-53558820-G-C. GRCh37 (hg19) VCF-style: chrX-53585781-G-C.
Identifiers: ClinVar variation 507852 (VCV000507852.1), dbSNP rs1556937860, ClinGen allele CA658799762.
Genomic context (GRCh38, chrX:53,558,820, plus strand): 5'-CTCCTCATCCCTCAGGAATTCCAGGTGATTGACAATGGACACTTTAACCACTGTTTCAAA[G>C]AGGCAAAAATCAAAGGCTGCTCTGGTGGGGTCAGGGAGGAAGCCAAGAGGCAGAGCTTGT-3'

ClinVar aggregate classification (germline): Likely benign (1 of 4 stars; one submission).

Submission:

GeneDx
Classification: Likely benign. Last evaluated: 2017-03-09. Review status: criteria provided, single submitter. Criteria: GeneDx Variant Classification (06012015). Collection method: clinical testing. Allele origin: germline. Affected: yes.
Comment: This variant is considered likely benign or benign based on one or more of the following criteria: it is a conservative change, it occurs at a poorly conserved position in the protein, it is predicted to be benign by multiple in silico algorithms, and/or has population frequency not consistent with disease.